The following is an entry in ClinVar:

NM_033026.6(PCLO):c.3350G>T (p.Gly1117Val)

Gene: PCLO (piccolo presynaptic cytomatrix protein; minus strand). Cytogenetic location: 7q21.11.
Variant type: single nucleotide variant.
Coding change: c.3350G>T on transcript NM_033026.6 (MANE Select); coding-DNA position 3350, G replaced by T.
Protein change: p.Gly1117Val; replaces glycine 1117 with valine.
Molecular consequence: missense variant.
Genome position (GRCh38, 1-based): chr7:82,966,438, C>A on the plus strand (G>T on the coding strand, the complement: PCLO is on the minus strand). VCF-style: chr7-82966438-C-A. GRCh37 (hg19) VCF-style: chr7-82595754-C-A.
Other names: c.3350G>T, p.Gly1117Val (NM_014510.3); c.3350G>T (NM_033026.5); short protein forms G1117V.
Identifiers: ClinVar variation 1375123 (VCV001375123.6), dbSNP rs758287833, ClinGen allele CA4321055.

ClinVar aggregate classification (germline): Uncertain significance. Review status: criteria provided, multiple submitters, no conflicts (2 of 4 stars). 3 submissions from 3 submitters: Uncertain significance (3). Last evaluated 2024-04-20.

Conditions:
Inborn genetic diseases. Identifiers: MedGen C0950123, MeSH D030342.

Allele frequency attached by ClinVar (database versions not stated): gnomAD exomes 0.00007; TOPMed 0.00024; gnomAD 0.00036 and 0.00037; ExAC 0.00002.
gnomAD v4.1: 84 of 1,601,594 alleles (0.0052%); highest among the groups gnomAD compares: Admixed American, 0.15%; no homozygotes.

Submissions (3):

Ambry Genetics
Classification: Uncertain significance for Inborn genetic diseases. Last evaluated: 2024-04-20. Review status: criteria provided, single submitter. Criteria: Ambry Variant Classification Scheme 2023. Collection method: clinical testing. Allele origin: germline.

GeneDx
Classification: Uncertain significance. Last evaluated: 2023-06-08. Review status: criteria provided, single submitter. Criteria: GeneDx Variant Classification Process June 2021. Collection method: clinical testing. Allele origin: germline. Affected: yes.
Comment: In silico analysis supports that this missense variant has a deleterious effect on protein structure/function; Variants in candidate genes are classified as variants of uncertain significance in accordance with ACMG guidelines (Richards et al., 2015); Has not been previously published as pathogenic or benign to our knowledge

Labcorp Genetics (formerly Invitae), Labcorp
Classification: Uncertain significance. Last evaluated: 2022-07-18. Review status: criteria provided, single submitter. Criteria: Invitae Variant Classification Sherloc (09022015). Collection method: clinical testing. Allele origin: germline.
Comment: This sequence change replaces glycine, which is neutral and non-polar, with valine, which is neutral and non-polar, at codon 1117 of the PCLO protein (p.Gly1117Val). This variant is present in population databases (rs758287833, gnomAD 0.06%). This variant has not been reported in the literature in individuals affected with PCLO-related conditions. ClinVar contains an entry for this variant (Variation ID: 1375123). Algorithms developed to predict the effect of missense changes on protein structure and function are either unavailable or do not agree on the potential impact of this missense change (SIFT: "Tolerated"; PolyPhen-2: "Not Available"; Align-GVGD: "Class C0"). In summary, the available evidence is currently insufficient to determine the role of this variant in disease. Therefore, it has been classified as a Variant of Uncertain Significance.